The following is an entry in ClinVar:

NM_001710.6(CFB):c.933A>G (p.Leu311=)

Gene: CFB (complement factor B; plus strand). Cytogenetic location: 6p21.33.
Variant type: single nucleotide variant.
Coding change: c.933A>G on transcript NM_001710.6 (MANE Select); coding-DNA position 933, A replaced by G.
Protein change: p.Leu311=; no amino-acid change (leucine 311 retained).
Molecular consequence: synonymous variant.
Genome position (GRCh38, 1-based): chr6:31,948,409, A>G. VCF-style: chr6-31948409-A-G. GRCh37 (hg19) VCF-style: chr6-31916186-A-G.
Other names: p.Leu311=.
Identifiers: ClinVar variation 4684921 (VCV004684921.1).

ClinVar aggregate classification (germline): Likely benign (1 of 4 stars; one submission).

Submission:

Mayo Clinic Laboratories, Mayo Clinic
Classification: Likely benign. Last evaluated: 2025-06-16. Review status: criteria provided, single submitter. Criteria: ACMG Guidelines, 2015. Collection method: clinical testing. Allele origin: germline. Observed: 1 variant allele.
Comment: BP4, BP7, PM2_supporting